The following is an entry in ClinVar:

ClinVar aggregate classification (germline): Uncertain significance. Review status: criteria provided, multiple submitters, no conflicts (2 of 4 stars). 4 submissions from 4 submitters: Uncertain significance (4). Last evaluated 2025-03-29.

Conditions:
Developmental and epileptic encephalopathy, 18 (DEE18). Also called: Early infantile epileptic encephalopathy 18. Identifiers: Orphanet 369894, MedGen C3809624, MONDO:0014201, OMIM 615476.

Allele frequency attached by ClinVar (database versions not stated): TOPMed 0.00002.
gnomAD v4.1: 2 of 1,614,128 alleles (0.00012%); highest among the groups gnomAD compares: African/African-American, 0.0013%; no homozygotes.

Submissions (4):

Labcorp Genetics (formerly Invitae), Labcorp
Classification: Uncertain significance. Last evaluated: 2025-03-29. Review status: criteria provided, single submitter. Criteria: Invitae Variant Classification Sherloc (09022015). Collection method: clinical testing. Allele origin: germline.
Comment: This sequence change replaces tyrosine, which is neutral and polar, with cysteine, which is neutral and slightly polar, at codon 2038 of the SZT2 protein (p.Tyr2038Cys). This variant is not present in population databases (gnomAD no frequency). This variant has not been reported in the literature in individuals affected with SZT2-related conditions. ClinVar contains an entry for this variant (Variation ID: 661164). Invitae Evidence Modeling of protein sequence and biophysical properties (such as structural, functional, and spatial information, amino acid conservation, physicochemical variation, residue mobility, and thermodynamic stability) indicates that this missense variant is expected to disrupt SZT2 protein function with a positive predictive value of 80%. In summary, the available evidence is currently insufficient to determine the role of this variant in disease. Therefore, it has been classified as a Variant of Uncertain Significance.

GeneDx
Classification: Uncertain significance. Last evaluated: 2025-02-18. Review status: criteria provided, single submitter. Criteria: GeneDx Variant Classification Process June 2021. Collection method: clinical testing. Allele origin: germline. Affected: yes.
Comment: In silico analysis supports that this missense variant has a deleterious effect on protein structure/function; Not observed at significant frequency in large population cohorts (gnomAD); This variant is associated with the following publications: (PMID: 31406558)

Genome-Nilou Lab
Classification: Uncertain significance for Developmental and epileptic encephalopathy, 18. Last evaluated: 2023-04-11. Review status: criteria provided, single submitter. Criteria: ACMG Guidelines, 2015. Collection method: clinical testing. Allele origin: germline. Affected: no.

Baylor Genetics
Classification: Uncertain significance for Developmental and epileptic encephalopathy, 18. Last evaluated: 2020-11-30. Review status: criteria provided, single submitter. Criteria: ACMG Guidelines, 2015. Collection method: clinical testing. Allele origin: unknown. Affected: yes.
Comment: This variant was determined to be of uncertain significance according to ACMG Guidelines, 2015 [PMID:25741868].

NM_001365999.1(SZT2):c.6284A>G (p.Tyr2095Cys)

Gene: SZT2 (SZT2 subunit of KICSTOR complex; plus strand). Cytogenetic location: 1p34.2.
Variant type: single nucleotide variant.
Coding change: c.6284A>G on transcript NM_001365999.1 (MANE Select); coding-DNA position 6284, A replaced by G.
Protein change: p.Tyr2095Cys; replaces tyrosine 2095 with cysteine.
Molecular consequence: missense variant.
Genome position (GRCh38, 1-based): chr1:43,437,502, A>G. VCF-style: chr1-43437502-A-G. GRCh37 (hg19) VCF-style: chr1-43903173-A-G.
Other names: c.6113A>G, p.Tyr2038Cys (NM_015284.4); short protein forms Y2038C, Y2095C.
Identifiers: ClinVar variation 661164 (VCV000661164.14), dbSNP rs947784174, ClinGen allele CA21643288.